The following is an entry in ClinVar:

ClinVar aggregate classification (germline): Uncertain significance (1 of 4 stars; one submission).

Conditions:
DiGeorge syndrome. Also called: Catch22; THIRD AND FOURTH PHARYNGEAL POUCH SYNDROME. Identifiers: Orphanet 567, MedGen C0012236, MONDO:0008564, OMIM 188400.

Allele frequency attached by ClinVar (database versions not stated): gnomAD 0.00001; TOPMed 0.00001; ExAC 0.00003.
gnomAD v4.1: 22 of 1,471,546 alleles (0.0015%); highest among the groups gnomAD compares: East Asian, 0.0028%; no homozygotes.

Submission:

Labcorp Genetics (formerly Invitae), Labcorp
Classification: Uncertain significance for DiGeorge syndrome. Last evaluated: 2025-12-06. Review status: criteria provided, single submitter. Criteria: Invitae Variant Classification Sherloc (09022015). Collection method: clinical testing. Allele origin: germline.
Comment: This sequence change replaces alanine, which is neutral and non-polar, with threonine, which is neutral and polar, at codon 466 of the TBX1 protein (p.Ala466Thr). The frequency data for this variant in the population databases is considered unreliable, as metrics indicate poor data quality at this position in the gnomAD database. This variant has not been reported in the literature in individuals affected with TBX1-related conditions. ClinVar contains an entry for this variant (Variation ID: 2729443). An algorithm developed to predict the effect of missense changes on protein structure and function (PolyPhen-2) suggests that this variant is likely to be tolerated. In summary, the available evidence is currently insufficient to determine the role of this variant in disease. Therefore, it has been classified as a Variant of Uncertain Significance.

NM_001379200.1(TBX1):c.1423G>A (p.Ala475Thr)

Gene: TBX1 (T-box transcription factor 1; plus strand). Cytogenetic location: 22q11.21.
Variant type: single nucleotide variant.
Coding change: c.1423G>A on transcript NM_001379200.1 (MANE Select); coding-DNA position 1423, G replaced by A.
Protein change: p.Ala475Thr; replaces alanine 475 with threonine.
Molecular consequence: missense variant. On other transcripts: intron variant (2).
Genome position (GRCh38, 1-based): chr22:19,766,775, G>A. VCF-style: chr22-19766775-G-A. GRCh37 (hg19) VCF-style: chr22-19754298-G-A.
Other names: c.1396G>A, p.Ala466Thr (NM_080647.1); c.1009+773G>A (NM_005992.1, NM_080646.2); short protein forms A466T, A475T.
Identifiers: ClinVar variation 2729443 (VCV002729443.3), dbSNP rs766206180, ClinGen allele CA10102757.